The following is an entry in ClinVar:

NM_004523.4(KIF11):c.2512A>C (p.Asn838His)

Gene: KIF11 (kinesin family member 11; plus strand). Cytogenetic location: 10q23.33.
Variant type: single nucleotide variant.
Coding change: c.2512A>C on transcript NM_004523.4 (MANE Select); coding-DNA position 2512, A replaced by C.
Protein change: p.Asn838His; replaces asparagine 838 with histidine.
Molecular consequence: missense variant.
Genome position (GRCh38, 1-based): chr10:92,645,607, A>C. VCF-style: chr10-92645607-A-C. GRCh37 (hg19) VCF-style: chr10-94405364-A-C.
Other names: short protein forms N838H.
Identifiers: ClinVar variation 435614 (VCV000435614.21), dbSNP rs34647366, ClinGen allele CA5604398.

ClinVar aggregate classification (germline): Benign/Likely benign. Review status: criteria provided, multiple submitters, no conflicts (2 of 4 stars). 6 submissions from 6 submitters: Benign (2); Likely benign (3). 1 of the submissions does not count toward it. Last evaluated 2026-02-01.

Conditions:
KIF11-related disorder. Also called: KIF11-related condition.
Inborn genetic diseases. Identifiers: MedGen C0950123, MeSH D030342.

Allele frequency attached by ClinVar (database versions not stated): 1000 Genomes Project 0.00020; 1000 Genomes Project 30x 0.00031; gnomAD exomes 0.00055 and 0.00136; gnomAD 0.00071 and 0.00074; ESP Exome Variant Server 0.00077; TOPMed 0.00107; ExAC 0.00117.
gnomAD v4.1: 987 of 1,607,626 alleles (0.061%); highest among the groups gnomAD compares: Admixed American, 0.2%; 13 homozygotes.

Submissions (6):

Labcorp Genetics (formerly Invitae), Labcorp
Classification: Likely benign. Last evaluated: 2026-02-01. Review status: criteria provided, single submitter. Criteria: Invitae Variant Classification Sherloc (09022015). Collection method: clinical testing. Allele origin: germline.

Blueprint Genetics
Classification: Likely benign. Last evaluated: 2024-11-22. Review status: criteria provided, single submitter. Criteria: ACMG Guidelines, 2015. Collection method: clinical testing. Allele origin: germline.

Ambry Genetics
Classification: Likely benign for Inborn genetic diseases. Last evaluated: 2021-10-18. Review status: criteria provided, single submitter. Criteria: Ambry Variant Classification Scheme 2023. Collection method: clinical testing. Allele origin: germline.

GeneDx
Classification: Benign. Last evaluated: 2020-02-07. Review status: criteria provided, single submitter. Criteria: GeneDx Variant Classification Process June 2021. Collection method: clinical testing. Allele origin: germline. Affected: yes.

Genetic Services Laboratory, University of Chicago
Classification: Benign. Last evaluated: 2017-02-22. Review status: criteria provided, single submitter. Criteria: ACMG Guidelines, 2015. Collection method: clinical testing. Allele origin: germline. Affected: no.

PreventionGenetics, part of Exact Sciences
Classification: Benign for KIF11-related condition. Last evaluated: 2022-04-18. Review status: no assertion criteria provided. Collection method: clinical testing. Allele origin: germline. Not counted in ClinVar's aggregate classification.
Comment: This variant is classified as benign based on ACMG/AMP sequence variant interpretation guidelines (Richards et al. 2015 PMID: 25741868, with internal and published modifications).